The following is an entry in ClinVar:

ClinVar aggregate classification (germline): Uncertain significance. Review status: criteria provided, multiple submitters, no conflicts (2 of 4 stars). 2 submissions from 2 submitters: Uncertain significance (2). Last evaluated 2022-11-09.

Conditions:
Hypertrophic cardiomyopathy. Also called: HYPERTROPHIC MYOCARDIOPATHY. Identifiers: Orphanet 217569, MedGen C0007194, MeSH D002312, MONDO:0005045, HP:0001639.

Submissions (2):

GeneDx
Classification: Uncertain significance. Last evaluated: 2022-11-09. Review status: criteria provided, single submitter. Criteria: GeneDx Variant Classification Process June 2021. Collection method: clinical testing. Allele origin: germline. Affected: yes.
Comment: Canonical splice site variant in a gene for which loss-of-function is not a known mechanism of disease; Not observed at significant frequency in large population cohorts (gnomAD); Has not been previously published as pathogenic or benign to our knowledge

Labcorp Genetics (formerly Invitae), Labcorp
Classification: Uncertain significance for Hypertrophic cardiomyopathy. Last evaluated: 2021-07-29. Review status: criteria provided, single submitter. Criteria: Invitae Variant Classification Sherloc (09022015). Collection method: clinical testing. Allele origin: germline.
Comment: This variant is not present in population databases (ExAC no frequency). This sequence change affects an acceptor splice site in intron 6 of the MYH7 gene. It is expected to disrupt RNA splicing. Variants that disrupt the donor or acceptor splice site typically lead to a loss of protein function (PMID: 16199547), however the current clinical and genetic evidence is not sufficient to establish whether loss-of-function variants in MYH7 cause disease. This variant has not been reported in the literature in individuals affected with MYH7-related conditions. In summary, the available evidence is currently insufficient to determine the role of this variant in disease. Therefore, it has been classified as a Variant of Uncertain Significance. Algorithms developed to predict the effect of sequence changes on RNA splicing suggest that this variant may disrupt the consensus splice site.

Literature cited by the submitters: PubMed 16199547 (cited by Labcorp Genetics (formerly Invitae), Labcorp).

NM_000257.4(MYH7):c.531-2A>G

Gene: MYH7 (myosin heavy chain 7; minus strand). Cytogenetic location: 14q11.2.
Variant type: single nucleotide variant.
Coding change: c.531-2A>G on transcript NM_000257.4 (MANE Select); the canonical splice acceptor site of the intron before coding-DNA position 531, A replaced by G.
Molecular consequence: splice acceptor variant.
Genome position (GRCh38, 1-based): chr14:23,431,871, T>C on the plus strand (A>G on the coding strand, the complement: MYH7 is on the minus strand). VCF-style: chr14-23431871-T-C. GRCh37 (hg19) VCF-style: chr14-23901080-T-C.
Other names: c.531-2A>G (NM_001407004.1).
Identifiers: ClinVar variation 1370939 (VCV001370939.6), dbSNP rs2138682576, ClinGen allele CA389052607.